The following is an entry in ClinVar:

NM_024426.6(WT1):c.830C>A (p.Thr277Asn)

Gene: WT1 (WT1 transcription factor; minus strand). Cytogenetic location: 11p13.
Variant type: single nucleotide variant.
Coding change: c.830C>A on transcript NM_024426.6 (MANE Select); coding-DNA position 830, C replaced by A.
Protein change: p.Thr277Asn; replaces threonine 277 with asparagine.
Molecular consequence: missense variant. On other transcripts: non-coding transcript variant (1).
Genome position (GRCh38, 1-based): chr11:32,428,013, G>T on the plus strand (C>A on the coding strand, the complement: WT1 is on the minus strand). VCF-style: chr11-32428013-G-T. GRCh37 (hg19) VCF-style: chr11-32449559-G-T.
Other names: c.830C>A, p.Thr277Asn (NM_000378.6, NM_001407044.1, NM_001407045.1 and 4 more transcripts); c.179C>A, p.Thr60Asn (NM_001198551.2, NM_001198552.2); c.707C>A, p.Thr236Asn (NM_001407047.1, NM_001407050.1); c.68C>A, p.Thr23Asn (NM_001407051.1); c.815C>A, p.Thr272Asn (NM_024425.2); c.815C>A (NM_024426.4); short protein forms T277N, T60N, T23N, T272N, T236N.
Identifiers: ClinVar variation 1524799 (VCV001524799.10), dbSNP rs138073760, ClinGen allele CA379963003.
Genomic context (GRCh38, chr11:32,428,013, plus strand): 5'-TACCTGCTGTAGGGCGTCCTCAGCAGCAAAGCCTGGCTGCCGGTGCAGCTGTCGGTGGGG[G>T]TGTGGCAGCCATAGACCGGGGGCGGCACCGAGTACTGCTGCTCACCTGCAGAGAGAACCG-3'
Protein context (NP_077744.4, residues 267-287): SVPPPVYGCH[Thr277Asn]PTDSCTGSQA

ClinVar aggregate classification (germline): Uncertain significance. Review status: criteria provided, multiple submitters, no conflicts (2 of 4 stars). 2 submissions from 2 submitters: Uncertain significance (2). Last evaluated 2026-03-13.

Conditions:
Inborn genetic diseases. Identifiers: MedGen C0950123, MeSH D030342.
Wilms tumor 1 (WT1). Also called: Wilms tumor, somatic. Identifiers: Orphanet 654, MedGen CN033288, MONDO:0008679, OMIM 194070.
11p partial monosomy syndrome (WAGR). Also called: CHROMOSOME 11p13 DELETION SYNDROME; WAGR syndrome; WAGR Spectrum Disorder; WAGR Complex. Identifiers: Orphanet 893, MedGen C0206115, MONDO:0008681, OMIM 194072.
Drash syndrome (DDS). Also called: NEPHROPATHY, WILMS TUMOR, AND GENITAL ANOMALIES; WILMS TUMOR AND PSEUDO- OR TRUE HERMAPHRODITISM. Identifiers: Orphanet 220, MedGen C0950121, MONDO:0008682, OMIM 194080.
Frasier syndrome. Identifiers: Orphanet 347, MedGen C0950122, MeSH D052159, MONDO:0007635, OMIM 136680.

gnomAD v4.1: 1 of 1,611,436 alleles (0.000062%); highest among the groups gnomAD compares: Admixed American, 0.0017%; no homozygotes.

Submissions (2):

Ambry Genetics
Classification: Uncertain significance for Inborn genetic diseases. Last evaluated: 2026-03-13. Review status: criteria provided, single submitter. Criteria: Ambry Variant Classification Scheme 2023. Collection method: clinical testing. Allele origin: germline.
Comment: The p.T272N variant (also known as c.815C>A), located in coding exon 3 of the WT1 gene, results from a C to A substitution at nucleotide position 815. The threonine at codon 272 is replaced by asparagine, an amino acid with similar properties. This amino acid position is well conserved in available vertebrate species. In addition, this alteration is predicted to be tolerated by in silico analysis. Based on the available evidence, the clinical significance of this variant remains unclear.

Labcorp Genetics (formerly Invitae), Labcorp
Classification: Uncertain significance for Wilms tumor 1; Drash syndrome; 11p partial monosomy syndrome; Frasier syndrome. Last evaluated: 2024-10-27. Review status: criteria provided, single submitter. Criteria: Invitae Variant Classification Sherloc (09022015). Collection method: clinical testing. Allele origin: germline.
Comment: This sequence change replaces threonine, which is neutral and polar, with asparagine, which is neutral and polar, at codon 272 of the WT1 protein (p.Thr272Asn). This variant is present in population databases (no rsID available, gnomAD 0.003%). This variant has not been reported in the literature in individuals affected with WT1-related conditions. ClinVar contains an entry for this variant (Variation ID: 1524799). Invitae Evidence Modeling of protein sequence and biophysical properties (such as structural, functional, and spatial information, amino acid conservation, physicochemical variation, residue mobility, and thermodynamic stability) indicates that this missense variant is not expected to disrupt WT1 protein function with a negative predictive value of 95%. In summary, the available evidence is currently insufficient to determine the role of this variant in disease. Therefore, it has been classified as a Variant of Uncertain Significance.